The following is an entry in ClinVar:

NM_004999.4(MYO6):c.1220T>C (p.Ile407Thr)

Gene: MYO6 (myosin VI; plus strand). Cytogenetic location: 6q14.1.
Variant type: single nucleotide variant.
Coding change: c.1220T>C on transcript NM_004999.4 (MANE Select); coding-DNA position 1220, T replaced by C.
Protein change: p.Ile407Thr; replaces isoleucine 407 with threonine.
Molecular consequence: missense variant. On other transcripts: non-coding transcript variant (1).
Genome position (GRCh38, 1-based): chr6:75,855,280, T>C. VCF-style: chr6-75855280-T-C. GRCh37 (hg19) VCF-style: chr6-76564997-T-C.
Other names: c.1220T>C, p.Ile407Thr (NM_001300899.2, NM_001368136.1, NM_001368137.1 and 2 more transcripts); c.1205T>C, p.Ile402Thr (NM_001368138.1); short protein forms I402T, I407T.
Identifiers: ClinVar variation 3666404 (VCV003666404.2).

ClinVar aggregate classification (germline): Uncertain significance (1 of 4 stars; one submission).

gnomAD v4.1: 1 of 1,613,340 alleles (0.000062%); no homozygotes.

Submission:

Labcorp Genetics (formerly Invitae), Labcorp
Classification: Uncertain significance. Last evaluated: 2024-05-29. Review status: criteria provided, single submitter. Criteria: Invitae Variant Classification Sherloc (09022015). Collection method: clinical testing. Allele origin: germline.
Comment: This sequence change replaces isoleucine, which is neutral and non-polar, with threonine, which is neutral and polar, at codon 407 of the MYO6 protein (p.Ile407Thr). This variant is not present in population databases (gnomAD no frequency). This variant has not been reported in the literature in individuals affected with MYO6-related conditions. Advanced modeling of protein sequence and biophysical properties (such as structural, functional, and spatial information, amino acid conservation, physicochemical variation, residue mobility, and thermodynamic stability) performed at Invitae indicates that this missense variant is not expected to disrupt MYO6 protein function with a negative predictive value of 80%. In summary, the available evidence is currently insufficient to determine the role of this variant in disease. Therefore, it has been classified as a Variant of Uncertain Significance.